The following is an entry in ClinVar:

NC_000007.13:g.(?_34009921)_(34010051_?)del

Gene: BMPER (BMP binding endothelial regulator; plus strand). Cytogenetic location: 7p14.3.
Variant type: Deletion.
Identifiers: ClinVar variation 3245932 (VCV003245932.1).

ClinVar aggregate classification (germline): Pathogenic (1 of 4 stars; one submission).

Submission:

Labcorp Genetics (formerly Invitae), Labcorp
Classification: Pathogenic. Last evaluated: 2023-05-29. Review status: criteria provided, single submitter. Criteria: Invitae Variant Classification Sherloc (09022015). Collection method: clinical testing. Allele origin: unknown.
Comment: For these reasons, this variant has been classified as Pathogenic. This variant has not been reported in the literature in individuals affected with BMPER-related conditions. This variant is a gross deletion of the genomic region encompassing exon(s) 6 of the BMPER gene. This deletion is out-of-frame, and is expected to create a premature termination codon and result in an absent or disrupted protein product. Loss-of-function variants in BMPER are known to be pathogenic (PMID: 20869035, 21990102).

Literature cited by the submitters: PubMed 20869035; PubMed 21990102.